The following is an entry in ClinVar:

NM_001393769.1(MED12L):c.6490+4A>C

Gene: MED12L (mediator complex subunit 12L; plus strand). Cytogenetic location: 3q25.1.
Variant type: single nucleotide variant.
Coding change: c.6490+4A>C on transcript NM_001393769.1 (MANE Select); 4 bases into the intron after coding-DNA position 6490, A replaced by C.
Molecular consequence: intron variant.
Genome position (GRCh38, 1-based): chr3:151,430,384, A>C. VCF-style: chr3-151430384-A-C. GRCh37 (hg19) VCF-style: chr3-151148172-A-C.
Other names: c.6385+4A>C (NM_053002.6).
Identifiers: ClinVar variation 2755023 (VCV002755023.3), dbSNP rs1719343171, ClinGen allele CA1411113857.

ClinVar aggregate classification (germline): Uncertain significance (1 of 4 stars; one submission).

Allele frequency attached by ClinVar (database versions not stated): TOPMed below 0.00001.

Submission:

Labcorp Genetics (formerly Invitae), Labcorp
Classification: Uncertain significance. Last evaluated: 2023-08-28. Review status: criteria provided, single submitter. Criteria: Invitae Variant Classification Sherloc (09022015). Collection method: clinical testing. Allele origin: germline.
Comment: This sequence change falls in intron 42 of the MED12L gene. It does not directly change the encoded amino acid sequence of the MED12L protein. It affects a nucleotide within the consensus splice site. This variant is not present in population databases (gnomAD no frequency). This variant has not been reported in the literature in individuals affected with MED12L-related conditions. Variants that disrupt the consensus splice site are a relatively common cause of aberrant splicing (PMID: 17576681, 9536098). Algorithms developed to predict the effect of sequence changes on RNA splicing suggest that this variant may create or strengthen a splice site. In summary, the available evidence is currently insufficient to determine the role of this variant in disease. Therefore, it has been classified as a Variant of Uncertain Significance.

Literature cited by the submitters: PubMed 17576681; PubMed 9536098.